The following is an entry in ClinVar:

NM_015001.3(SPEN):c.10872C>T (p.Tyr3624=)

Gene: SPEN (spen family transcriptional repressor; plus strand). Cytogenetic location: 1p36.13.
Variant type: single nucleotide variant.
Coding change: c.10872C>T on transcript NM_015001.3 (MANE Select); coding-DNA position 10872, C replaced by T.
Protein change: p.Tyr3624=; no amino-acid change (tyrosine 3624 retained).
Molecular consequence: synonymous variant.
Genome position (GRCh38, 1-based): chr1:15,939,304, C>T. VCF-style: chr1-15939304-C-T. GRCh37 (hg19) VCF-style: chr1-16265799-C-T.
Identifiers: ClinVar variation 3257674 (VCV003257674.17).

ClinVar aggregate classification (germline): Likely benign (1 of 4 stars; one submission).

gnomAD v4.1: 413 of 1,589,490 alleles (0.026%); highest among the groups gnomAD compares: East Asian, 0.095%; 2 homozygotes.

Submission:

CeGaT Center for Human Genetics Tuebingen
Classification: Likely benign. Last evaluated: 2025-05-01. Review status: criteria provided, single submitter. Criteria: CeGaT Center For Human Genetics Tuebingen Variant Classification Criteria Version 2. Collection method: clinical testing. Allele origin: germline. Affected: yes. Observed: 2 variant alleles.
Comment: SPEN: BP4, BP7